The following is an entry in ClinVar:

ClinVar aggregate classification (germline): Uncertain significance (1 of 4 stars; one submission).

Conditions:
Inborn genetic diseases. Identifiers: MedGen C0950123, MeSH D030342.

Submission:

Ambry Genetics
Classification: Uncertain significance for Inborn genetic diseases. Last evaluated: 2025-05-09. Review status: criteria provided, single submitter. Criteria: Ambry Variant Classification Scheme 2023. Collection method: clinical testing. Allele origin: germline.
Comment: The p.A42D variant (also known as c.125C>A), located in coding exon 1 of the SH2B3 gene, results from a C to A substitution at nucleotide position 125. The alanine at codon 42 is replaced by aspartic acid, an amino acid with dissimilar properties. This amino acid position is conserved. In addition, this alteration is predicted to be deleterious by in silico analysis. Based on the available evidence, the clinical significance of this variant remains unclear.

NM_005475.3(SH2B3):c.125C>A (p.Ala42Asp)

Gene: SH2B3 (SH2B adaptor protein 3; plus strand). Cytogenetic location: 12q24.12.
Variant type: single nucleotide variant.
Coding change: c.125C>A on transcript NM_005475.3 (MANE Select); coding-DNA position 125, C replaced by A.
Protein change: p.Ala42Asp; replaces alanine 42 with aspartic acid.
Molecular consequence: missense variant.
Genome position (GRCh38, 1-based): chr12:111,418,270, C>A. VCF-style: chr12-111418270-C-A. GRCh37 (hg19) VCF-style: chr12-111856074-C-A.
Other names: short protein forms A42D.
Identifiers: ClinVar variation 3953489 (VCV003953489.1).